The following is an entry in ClinVar:

ClinVar aggregate classification (germline): Uncertain significance (1 of 4 stars; one submission).

Conditions:
Inborn genetic diseases. Identifiers: MedGen C0950123, MeSH D030342.

Submission:

Ambry Genetics
Classification: Uncertain significance for Inborn genetic diseases. Last evaluated: 2021-10-19. Review status: criteria provided, single submitter. Criteria: Ambry Variant Classification Scheme 2023. Collection method: clinical testing. Allele origin: germline.
Comment: The p.L862I variant (also known as c.2584C>A), located in coding exon 16 of the EPAS1 gene, results from a C to A substitution at nucleotide position 2584. The leucine at codon 862 is replaced by isoleucine, an amino acid with highly similar properties. This amino acid position is conserved. In addition, this alteration is predicted to be tolerated by in silico analysis. Since supporting evidence is limited at this time, the clinical significance of this alteration remains unclear.

NM_001430.5(EPAS1):c.2584C>A (p.Leu862Ile)

Gene: EPAS1 (endothelial PAS domain protein 1; plus strand). Cytogenetic location: 2p21.
Variant type: single nucleotide variant.
Coding change: c.2584C>A on transcript NM_001430.5 (MANE Select); coding-DNA position 2584, C replaced by A.
Protein change: p.Leu862Ile; replaces leucine 862 with isoleucine.
Molecular consequence: missense variant.
Genome position (GRCh38, 1-based): chr2:46,384,631, C>A. VCF-style: chr2-46384631-C-A. GRCh37 (hg19) VCF-style: chr2-46611770-C-A.
Other names: short protein forms L862I.
Identifiers: ClinVar variation 1793412 (VCV001793412.2), dbSNP rs2546483805, ClinGen allele CA346707174.
Genomic context (GRCh38, chr2:46,384,631, plus strand): 5'-TATGACTGTGAGGTGAACGTGCCCGTGCTGGGAAGCTCCACGCTCCTGCAAGGAGGGGAC[C>A]TCCTCAGAGCCCTGGACCAGGCCACCTGAGCCAGGCCTTCTACCTGGGCAGCACCTCTGC-3'
Protein context (NP_001421.2, residues 852-870): GSSTLLQGGD[Leu862Ile]LRALDQAT